The following is an entry in ClinVar:

ClinVar aggregate classification (germline): Benign. Review status: criteria provided, multiple submitters, no conflicts (2 of 4 stars). 9 submissions from 8 submitters: Benign (9). Last evaluated 2026-02-04.

Conditions:
Retinitis pigmentosa-deafness syndrome. Also called: RETINITIS PIGMENTOSA 21; RETINITIS PIGMENTOSA 8; Retinitis pigmentosa 8, formerly; RP8, formerly; Retinitis pigmentosa 21, formerly; RP21, formerly. Identifiers: MedGen C5779620, MONDO:0010775, OMIM 500004.
Autosomal recessive nonsyndromic hearing loss 31. Also called: WHIRLER, MOUSE, HOMOLOG OF. Identifiers: Orphanet 90636, MedGen C1846839, MONDO:0011767, OMIM 607084.
Usher syndrome type 2D. Also called: USHER SYNDROME, TYPE IID. Identifiers: Orphanet 231178, Orphanet 886, MedGen C1568249, MONDO:0012662, OMIM 611383.

Allele frequency attached by ClinVar (database versions not stated): gnomAD exomes 0.09059; gnomAD 0.09064 and 0.09351; ExAC 0.12144; 1000 Genomes Project 0.04633; 1000 Genomes Project 30x 0.04763; TOPMed 0.08451; ESP Exome Variant Server 0.08943.
gnomAD v4.1: 177,022 of 1,601,290 alleles (11%); highest among the groups gnomAD compares: Non-Finnish European, 12%; 10,914 homozygotes.

Submissions (9):

Labcorp Genetics (formerly Invitae), Labcorp
Classification: Benign. Last evaluated: 2026-02-04. Review status: criteria provided, single submitter. Criteria: Invitae Variant Classification Sherloc (09022015). Collection method: clinical testing. Allele origin: germline.

Mayo Clinic Laboratories, Mayo Clinic
Classification: Benign. Last evaluated: 2020-12-07. Review status: criteria provided, single submitter. Criteria: ACMG Guidelines, 2015. Collection method: clinical testing. Allele origin: germline. Observed: 30 variant alleles.

Mendelics
Classification: Benign for Retinitis pigmentosa-deafness syndrome. Last evaluated: 2019-05-28. Review status: criteria provided, single submitter. Criteria: Mendelics Assertion Criteria 2017. Collection method: clinical testing. Allele origin: unknown.

Illumina Laboratory Services, Illumina
Classification: Benign for Autosomal recessive nonsyndromic hearing loss 31. Last evaluated: 2018-01-13. Review status: criteria provided, single submitter. Criteria: ICSL Variant Classification Criteria 13 December 2019. Collection method: clinical testing. Allele origin: germline.
Comment: This variant was observed in the ICSL laboratory as part of a predisposition screen in an ostensibly healthy population. It had not been previously curated by ICSL or reported in the Human Gene Mutation Database (HGMD: prior to June 1st, 2018), and was therefore a candidate for classification through an automated scoring system. Utilizing variant allele frequency, disease prevalence and penetrance estimates, and inheritance mode, an automated score was calculated to assess if this variant is too frequent to cause the disease. Based on the score and internal cut-off values, a variant classified as benign is not then subjected to further curation. The score for this variant resulted in a classification of benign for this disease.

Illumina Laboratory Services, Illumina
Classification: Benign for Usher syndrome type 2D. Last evaluated: 2018-01-13. Review status: criteria provided, single submitter. Criteria: ICSL Variant Classification Criteria 13 December 2019. Collection method: clinical testing. Allele origin: germline.
Comment: the same text as in the submission from Illumina Laboratory Services, Illumina above.

GeneDx
Classification: Benign. Last evaluated: 2013-01-24. Review status: criteria provided, single submitter. Criteria: GeneDx Variant Classification (06012015). Collection method: clinical testing. Allele origin: germline. Affected: yes.
Comment: This variant is considered likely benign or benign based on one or more of the following criteria: it is a conservative change, it occurs at a poorly conserved position in the protein, it is predicted to be benign by multiple in silico algorithms, and/or has population frequency not consistent with disease.

Laboratory for Molecular Medicine, Mass General Brigham Personalized Medicine
Classification: Benign. Last evaluated: 2009-06-19. Review status: criteria provided, single submitter. Criteria: LMM Criteria. Collection method: clinical testing. Allele origin: germline. Observed: 357 variant alleles.

Breakthrough Genomics
Classification: Benign. Review status: criteria provided, single submitter. Criteria: ACMG Guidelines, 2015. Collection method: not provided. Allele origin: germline. Inheritance: Autosomal recessive inheritance. Affected: yes.

PreventionGenetics, part of Exact Sciences
Classification: Benign. Review status: criteria provided, single submitter. Criteria: ACMG Guidelines, 2015. Collection method: clinical testing. Allele origin: germline.

NM_015404.4(WHRN):c.1684C>G (p.Pro562Ala)

Gene: WHRN (whirlin; minus strand). Cytogenetic location: 9q32.
Variant type: single nucleotide variant.
Coding change: c.1684C>G on transcript NM_015404.4 (MANE Select); coding-DNA position 1684, C replaced by G.
Protein change: p.Pro562Ala; replaces proline 562 with alanine.
Molecular consequence: missense variant.
Genome position (GRCh38, 1-based): chr9:114,407,961, G>C on the plus strand (C>G on the coding strand, the complement: WHRN is on the minus strand). VCF-style: chr9-114407961-G-C. GRCh37 (hg19) VCF-style: chr9-117170241-G-C.
Other names: p.P562A:CCA>GCA; c.535C>G, p.Pro179Ala (NM_001083885.3); c.1684C>G, p.Pro562Ala (NM_001173425.2); c.631C>G, p.Pro211Ala (NM_001346890.1); short protein forms P562A, P179A, P211A.
Identifiers: ClinVar variation 45661 (VCV000045661.21), dbSNP rs12339210, ClinGen allele CA136894.